The following is an entry in ClinVar:

ClinVar aggregate classification (germline): Likely pathogenic (1 of 4 stars; one submission).

Conditions:
Hypermanganesemia with dystonia, polycythemia, and cirrhosis (HMNDYT1). Also called: Cirrhosis - dystonia - polycythemia - hypermanganesemia syndrome; Hypermanganesemia with Dystonia 1; Hepatic Cirrhosis, Dystonia, Polycythemia and Hypermanganesemia. Identifiers: Orphanet 309854, MedGen C2750442, MONDO:0013208, OMIM 613280.

Submission:

Neuberg Centre For Genomic Medicine, NCGM
Classification: Likely pathogenic for Hypermanganesemia with dystonia, polycythemia, and cirrhosis. Last evaluated: 2024-02-01. Review status: criteria provided, single submitter. Criteria: ACMG Guidelines, 2015. Collection method: clinical testing. Allele origin: germline. Inheritance: Autosomal recessive inheritance. Affected: yes.
Comment: The stop gained c.511C>T (p.Gln171Ter) variant in SLC30A10 gene has not been reported previously as a pathogenic variant nor as a benign variant, to our knowledge. This variant is predicted to cause loss of normal protein function through protein truncation. Loss of function variants in SLC30A10 gene have been previously reported to be disease causing (Garg et al., 2022).

NM_018713.3(SLC30A10):c.511C>T (p.Gln171Ter)

Gene: SLC30A10 (solute carrier family 30 member 10; minus strand). Cytogenetic location: 1q41.
Variant type: single nucleotide variant.
Coding change: c.511C>T on transcript NM_018713.3 (MANE Select); coding-DNA position 511, C replaced by T.
Protein change: p.Gln171Ter; replaces glutamine 171 with a stop codon.
Molecular consequence: nonsense. On other transcripts: 5 prime UTR variant (1), intron variant (1).
Genome position (GRCh38, 1-based): chr1:219,927,930, G>A on the plus strand (C>T on the coding strand, the complement: SLC30A10 is on the minus strand). VCF-style: chr1-219927930-G-A. GRCh37 (hg19) VCF-style: chr1-220101272-G-A.
Other names: c.-203C>T (NM_001416005.1); c.452-825C>T (NM_001376929.1); short protein forms Q171*.
Identifiers: ClinVar variation 3895514 (VCV003895514.1).